The following is an entry in ClinVar:

ClinVar aggregate classification (germline): Uncertain significance. Review status: criteria provided, multiple submitters, no conflicts (2 of 4 stars). 2 submissions from 2 submitters: Uncertain significance (2). Last evaluated 2020-12-18.

Allele frequency attached by ClinVar (database versions not stated): gnomAD exomes below 0.00001 and 0.00001; ExAC 0.00001; TOPMed 0.00001; ESP Exome Variant Server 0.00014.

Submissions (2):

GeneDx
Classification: Uncertain significance. Last evaluated: 2020-12-18. Review status: criteria provided, single submitter. Criteria: GeneDx Variant Classification Process June 2021. Collection method: clinical testing. Allele origin: germline. Affected: yes.
Comment: Has not been previously published as pathogenic or benign to our knowledge; Not observed at a significant frequency in large population cohorts (Lek et al., 2016); In silico analysis supports that this missense variant has a deleterious effect on protein structure/function

CeGaT Center for Human Genetics Tuebingen
Classification: Uncertain significance. Last evaluated: 2018-08-01. Review status: criteria provided, single submitter. Criteria: CeGaT Center For Human Genetics Tuebingen Variant Classification Criteria Version 2. Collection method: clinical testing. Allele origin: germline. Affected: yes. Observed: 1 variant allele.

NM_001365276.2(TNXB):c.8204A>T (p.Glu2735Val)

Gene: TNXB (tenascin XB; minus strand). Cytogenetic location: 6p21.33.
Variant type: single nucleotide variant.
Coding change: c.8204A>T on transcript NM_001365276.2 (MANE Select); coding-DNA position 8204, A replaced by T.
Protein change: p.Glu2735Val; replaces glutamic acid 2735 with valine.
Molecular consequence: missense variant.
Genome position (GRCh38, 1-based): chr6:32,056,114, T>A on the plus strand (A>T on the coding strand, the complement: TNXB is on the minus strand). VCF-style: chr6-32056114-T-A. GRCh37 (hg19) VCF-style: chr6-32023891-T-A.
Other names: c.8204A>T, p.Glu2735Val (NM_019105.8); short protein forms E2735V.
Identifiers: ClinVar variation 624233 (VCV000624233.45), dbSNP rs369113595, ClinGen allele CA3733919.